The following is an entry in ClinVar:

NM_001165963.4(SCN1A):c.3405A>G (p.Glu1135=)

Genes: SCN1A (sodium voltage-gated channel alpha subunit 1; minus strand), LOC102724058 (uncharacterized LOC102724058; plus strand). Cytogenetic location: 2q24.3.
Variant type: single nucleotide variant.
Coding change: c.3405A>G on transcript NM_001165963.4 (MANE Select); coding-DNA position 3405, A replaced by G.
Protein change: p.Glu1135=; no amino-acid change (glutamic acid 1135 retained).
Molecular consequence: synonymous variant. On other transcripts: non-coding transcript variant (2).
Genome position (GRCh38, 1-based): chr2:166,036,072, T>C on the plus strand (A>G on the coding strand, the complement: SCN1A is on the minus strand). VCF-style: chr2-166036072-T-C. GRCh37 (hg19) VCF-style: chr2-166892582-T-C.
Other names: p.E1135E:GAA>GAG; c.3321A>G, p.Glu1107= (NM_001165964.3, NM_001353957.2, NM_001353958.2); c.3405A>G, p.Glu1135= (NM_001202435.3, NM_001353948.2); c.3372A>G, p.Glu1124= (NM_001353949.2, NM_001353950.2, NM_001353951.2 and 2 more transcripts); c.3369A>G, p.Glu1123= (NM_001353954.2, NM_001353955.2); c.3318A>G, p.Glu1106= (NM_001353960.2); c.963A>G, p.Glu321= (NM_001353961.2).
Identifiers: ClinVar variation 206736 (VCV000206736.6), dbSNP rs796052954, ClinGen allele CA317118.

ClinVar aggregate classification (germline): Conflicting classifications of pathogenicity. Review status: criteria provided, conflicting classifications (1 of 4 stars). 2 submissions from 2 submitters: Uncertain significance (1); Likely benign (1). Last evaluated 2024-07-29.

Conditions:
Early-infantile DEE. Also called: Ohtahara syndrome; Early infantile epileptic encephalopathy; Early infantile epileptic encephalopathy with suppression bursts. Identifiers: Orphanet 1934, MedGen C0393706, MONDO:0800491.

Allele frequency attached by ClinVar (database versions not stated): TOPMed 0.00001.

Submissions (2):

Labcorp Genetics (formerly Invitae), Labcorp
Classification: Likely benign for Early-infantile DEE. Last evaluated: 2024-07-29. Review status: criteria provided, single submitter. Criteria: Invitae Variant Classification Sherloc (09022015). Collection method: clinical testing. Allele origin: germline.

GeneDx
Classification: Uncertain significance. Last evaluated: 2012-09-14. Review status: criteria provided, single submitter. Criteria: GeneDx Variant Classification (06012015). Collection method: clinical testing. Allele origin: germline. Affected: yes.
Comment: p.Glu1135Glu (GAA>GAG):c.3405 A>G in exon 16 of the SCN1A gene (NM_001165963.1) The c.3405 A>G nucleotide substitution has not been published as a mutation, nor has it been reported as a benign polymorphism to our knowledge. The NHLBI ESP Exome Variant Project did not identify c.3405 A>G in approximately 6300 individuals of European or African American ethnicity, indicating that it is not a common benign variant in these populations. Some in silico models predict that the c.3405 A>G substitution could potentially create a new cryptic splice donor site that may supplant the natural site in exon 16 of the SCN1A gene and lead to abnormal splicing. However, in the absence of RNA/functional and clinical studies, the actual effect of the c.3405 A>G sequence change is unknown. The variant is found in INFANT-EPI panel(s).